The following is an entry in ClinVar:

ClinVar aggregate classification (germline): Uncertain significance (1 of 4 stars; one submission).

Conditions:
Combined immunodeficiency due to DOCK8 deficiency (HIES2). Also called: HIES autosomal recessive; Hyper-IgE recurrent infection syndrome, autosomal recessive; HYPER-IgE RECURRENT INFECTION SYNDROME 2, AUTOSOMAL RECESSIVE; HYPER-IgE SYNDROME 2, AUTOSOMAL RECESSIVE, WITH RECURRENT INFECTIONS; DOCK8 Deficiency. Identifiers: Orphanet 217390, MedGen C4722305, MONDO:0009478, OMIM 243700.

gnomAD v4.1: 1 of 1,614,080 alleles (0.000062%); no homozygotes.

Submission:

Labcorp Genetics (formerly Invitae), Labcorp
Classification: Uncertain significance for Combined immunodeficiency due to DOCK8 deficiency. Last evaluated: 2025-09-15. Review status: criteria provided, single submitter. Criteria: Invitae Variant Classification Sherloc (09022015). Collection method: clinical testing. Allele origin: germline.
Comment: This sequence change replaces valine, which is neutral and non-polar, with glutamic acid, which is acidic and polar, at codon 1844 of the DOCK8 protein (p.Val1844Glu). This variant is not present in population databases (gnomAD no frequency). This variant has not been reported in the literature in individuals affected with DOCK8-related conditions. Invitae Evidence Modeling of protein sequence and biophysical properties (such as structural, functional, and spatial information, amino acid conservation, physicochemical variation, residue mobility, and thermodynamic stability) has been performed for this missense variant. However, the output from this modeling did not meet the statistical confidence thresholds required to predict the impact of this variant on DOCK8 protein function. In summary, the available evidence is currently insufficient to determine the role of this variant in disease. Therefore, it has been classified as a Variant of Uncertain Significance.

NM_203447.4(DOCK8):c.5531T>A (p.Val1844Glu)

Gene: DOCK8 (dedicator of cytokinesis 8; plus strand). Cytogenetic location: 9p24.3.
Variant type: single nucleotide variant.
Coding change: c.5531T>A on transcript NM_203447.4 (MANE Select); coding-DNA position 5531, T replaced by A.
Protein change: p.Val1844Glu; replaces valine 1844 with glutamic acid.
Molecular consequence: missense variant.
Genome position (GRCh38, 1-based): chr9:443,467, T>A. VCF-style: chr9-443467-T-A. GRCh37 (hg19) VCF-style: chr9-443467-T-A.
Other names: c.5231T>A, p.Val1744Glu (NM_001190458.2); c.5327T>A, p.Val1776Glu (NM_001193536.2); short protein forms V1776E, V1744E, V1844E.
Identifiers: ClinVar variation 4772886 (VCV004772886.1).